The following is an entry in ClinVar:

ClinVar aggregate classification (germline): Uncertain significance (1 of 4 stars; one submission).

Conditions:
MAST3-related disorder.

Submission:

PreventionGenetics, part of Exact Sciences
Classification: Uncertain significance for MAST3-related condition. Last evaluated: 2026-05-15. Review status: criteria provided, single submitter. Criteria: ACMG Guidelines, 2015. Collection method: clinical testing. Allele origin: germline.
Comment: The MAST3 c.113C>T variant is predicted to result in the amino acid substitution p.Pro38Leu. To our knowledge, this variant has not been reported in the literature or in a large population database (gnomAD), indicating this variant is rare. At this time, the clinical significance of this variant is uncertain due to the absence of conclusive functional and genetic evidence.

NM_001393504.1(MAST3):c.203C>T (p.Pro68Leu)

Gene: MAST3 (microtubule associated serine/threonine kinase 3; plus strand). Cytogenetic location: 19p13.11.
Variant type: single nucleotide variant.
Coding change: c.203C>T on transcript NM_001393504.1 (MANE Select); coding-DNA position 203, C replaced by T.
Protein change: p.Pro68Leu; replaces proline 68 with leucine.
Molecular consequence: missense variant.
Genome position (GRCh38, 1-based): chr19:18,121,726, C>T. VCF-style: chr19-18121726-C-T. GRCh37 (hg19) VCF-style: chr19-18232536-C-T.
Other names: c.203C>T, p.Pro68Leu (NM_001393501.1, NM_001393502.1); c.179C>T, p.Pro60Leu (NM_001393503.1, NM_001393505.1, NM_001393507.1); c.131C>T, p.Pro44Leu (NM_001393506.1, NM_001393510.1, NM_001393511.1 and 3 more transcripts); c.113C>T, p.Pro38Leu (NM_001393508.1, NM_001393509.1, NM_001393512.1 and 6 more transcripts); c.89C>T, p.Pro30Leu (NM_001393521.1); short protein forms P44L, P30L, P38L, P60L, P68L.
Identifiers: ClinVar variation 4993081 (VCV004993081.1).